The following is an entry in ClinVar:

NM_054012.4(ASS1):c.363+195C>T

Gene: ASS1 (argininosuccinate synthase 1; plus strand). Cytogenetic location: 9q34.11.
Variant type: single nucleotide variant.
Coding change: c.363+195C>T on transcript NM_054012.4 (MANE Select); 195 bases into the intron after coding-DNA position 363, C replaced by T.
Molecular consequence: intron variant.
Genome position (GRCh38, 1-based): chr9:130,458,784, C>T. VCF-style: chr9-130458784-C-T. GRCh37 (hg19) VCF-style: chr9-133334171-C-T.
Other names: c.363+195C>T (NM_000050.4).
Identifiers: ClinVar variation 683314 (VCV000683314.1), dbSNP rs1215986, ClinGen allele CA13001585.

ClinVar aggregate classification (germline): Benign (1 of 4 stars; one submission).

Allele frequency attached by ClinVar (database versions not stated): gnomAD 0.32152 and 0.33157; TOPMed 0.33263; 1000 Genomes Project 30x 0.37274; 1000 Genomes Project 0.37839.
gnomAD v4.1: 50,627 of 152,252 alleles (33%); highest among the groups gnomAD compares: East Asian, 61%; 10,490 homozygotes.

Submission:

GeneDx
Classification: Benign. Last evaluated: 2018-06-14. Review status: criteria provided, single submitter. Criteria: GeneDx Variant Classification (06012015). Collection method: clinical testing. Allele origin: germline. Affected: yes.
Comment: This variant is considered likely benign or benign based on one or more of the following criteria: it is a conservative change, it occurs at a poorly conserved position in the protein, it is predicted to be benign by multiple in silico algorithms, and/or has population frequency not consistent with disease.